The following is an entry in ClinVar:

ClinVar aggregate classification (germline): Likely benign. Review status: criteria provided, multiple submitters, no conflicts (2 of 4 stars). 2 submissions from 2 submitters: Likely benign (2). Last evaluated 2024-12-01.

Allele frequency attached by ClinVar (database versions not stated): ExAC 0.00004.
gnomAD v4.1: 32 of 1,614,154 alleles (0.002%); highest among the groups gnomAD compares: South Asian, 0.026%; no homozygotes.

Submissions (2):

CeGaT Center for Human Genetics Tuebingen
Classification: Likely benign. Last evaluated: 2024-12-01. Review status: criteria provided, single submitter. Criteria: CeGaT Center For Human Genetics Tuebingen Variant Classification Criteria Version 2. Collection method: clinical testing. Allele origin: germline. Affected: yes. Observed: 1 variant allele.
Comment: KMT2A: BP4

Labcorp Genetics (formerly Invitae), Labcorp
Classification: Likely benign. Last evaluated: 2023-08-17. Review status: criteria provided, single submitter. Criteria: Invitae Variant Classification Sherloc (09022015). Collection method: clinical testing. Allele origin: germline.

NM_001197104.2(KMT2A):c.6788C>T (p.Thr2263Ile)

Gene: KMT2A (lysine methyltransferase 2A; plus strand). Cytogenetic location: 11q23.3.
Variant type: single nucleotide variant.
Coding change: c.6788C>T on transcript NM_001197104.2 (MANE Select); coding-DNA position 6788, C replaced by T.
Protein change: p.Thr2263Ile; replaces threonine 2263 with isoleucine.
Molecular consequence: missense variant.
Genome position (GRCh38, 1-based): chr11:118,502,680, C>T. VCF-style: chr11-118502680-C-T. GRCh37 (hg19) VCF-style: chr11-118373395-C-T.
Other names: c.6878C>T, p.Thr2293Ile (NM_001412597.1); c.6779C>T, p.Thr2260Ile (NM_005933.4); short protein forms T2263I, T2293I, T2260I.
Identifiers: ClinVar variation 2896188 (VCV002896188.16), dbSNP rs782570144, ClinGen allele CA6304310.